The following is an entry in ClinVar:

ClinVar aggregate classification (germline): Likely benign (1 of 4 stars; one submission).

Allele frequency attached by ClinVar (database versions not stated): 1000 Genomes Project 0.00339; gnomAD exomes 0.00351; 1000 Genomes Project 30x 0.00375; gnomAD 0.00540 and 0.00562; TOPMed 0.00546.
gnomAD v4.1: 3,271 of 857,178 alleles (0.38%); highest among the groups gnomAD compares: African/African-American, 1%; 17 homozygotes.

Submission:

GeneDx
Classification: Likely benign. Last evaluated: 2018-06-16. Review status: criteria provided, single submitter. Criteria: GeneDx Variant Classification (06012015). Collection method: clinical testing. Allele origin: germline. Affected: yes.
Comment: This variant is considered likely benign or benign based on one or more of the following criteria: it is a conservative change, it occurs at a poorly conserved position in the protein, it is predicted to be benign by multiple in silico algorithms, and/or has population frequency not consistent with disease.

NM_000089.4(COL1A2):c.1558-135C>T

Gene: COL1A2 (collagen type I alpha 2 chain; plus strand). Cytogenetic location: 7q21.3.
Variant type: single nucleotide variant.
Coding change: c.1558-135C>T on transcript NM_000089.4 (MANE Select); 135 bases into the intron before coding-DNA position 1558, C replaced by T.
Molecular consequence: intron variant.
Genome position (GRCh38, 1-based): chr7:94,413,555, C>T. VCF-style: chr7-94413555-C-T. GRCh37 (hg19) VCF-style: chr7-94042867-C-T.
Identifiers: ClinVar variation 679829 (VCV000679829.1), dbSNP rs111331487, ClinGen allele CA162926344.